The following is an entry in ClinVar:

ClinVar aggregate classification (germline): Uncertain significance. Review status: criteria provided, multiple submitters, no conflicts (2 of 4 stars). 3 submissions from 3 submitters: Uncertain significance (3). Last evaluated 2024-10-14.

Conditions:
Fanconi anemia complementation group L (FANCL). Also called: FANCL-Related Fanconi Anemia. Identifiers: Orphanet 84, MedGen C3469528, MONDO:0013566, OMIM 614083.
Fanconi anemia (FA). Also called: Fanconi's anemia. Identifiers: Orphanet 84, MedGen C0015625, MeSH D005199, MONDO:0019391.

gnomAD v4.1: 13 of 1,614,128 alleles (0.00081%); highest among the groups gnomAD compares: Admixed American, 0.0067%; no homozygotes.

Submissions (3):

Blueprint Genetics
Classification: Uncertain significance. Last evaluated: 2024-10-14. Review status: criteria provided, single submitter. Criteria: ACMG Guidelines, 2015. Collection method: clinical testing. Allele origin: germline.

Labcorp Genetics (formerly Invitae), Labcorp
Classification: Uncertain significance for Fanconi anemia. Last evaluated: 2022-05-28. Review status: criteria provided, single submitter. Criteria: Invitae Variant Classification Sherloc (09022015). Collection method: clinical testing. Allele origin: germline.
Comment: This sequence change replaces serine, which is neutral and polar, with isoleucine, which is neutral and non-polar, at codon 7 of the FANCL protein (p.Ser7Ile). This variant is present in population databases (no rsID available, gnomAD 0.009%). This variant has not been reported in the literature in individuals affected with FANCL-related conditions. ClinVar contains an entry for this variant (Variation ID: 1056471). Algorithms developed to predict the effect of missense changes on protein structure and function (SIFT, PolyPhen-2, Align-GVGD) all suggest that this variant is likely to be tolerated. In summary, the available evidence is currently insufficient to determine the role of this variant in disease. Therefore, it has been classified as a Variant of Uncertain Significance.

Fulgent Genetics
Classification: Uncertain significance for Fanconi anemia complementation group L. Last evaluated: 2021-07-15. Review status: criteria provided, single submitter. Criteria: ACMG Guidelines, 2015. Collection method: clinical testing. Allele origin: unknown.

NM_018062.4(FANCL):c.20G>T (p.Ser7Ile)

Gene: FANCL (FA complementation group L; minus strand). Cytogenetic location: 2p16.1.
Variant type: single nucleotide variant.
Coding change: c.20G>T on transcript NM_018062.4 (MANE Select); coding-DNA position 20, G replaced by T.
Protein change: p.Ser7Ile; replaces serine 7 with isoleucine.
Molecular consequence: missense variant.
Genome position (GRCh38, 1-based): chr2:58,241,294, C>A on the plus strand (G>T on the coding strand, the complement: FANCL is on the minus strand). VCF-style: chr2-58241294-C-A. GRCh37 (hg19) VCF-style: chr2-58468429-C-A.
Other names: c.20G>T, p.Ser7Ile (NM_001114636.2, NM_001374615.1, NM_001410792.1); short protein forms S7I.
Identifiers: ClinVar variation 1056471 (VCV001056471.8), dbSNP rs376224867, ClinGen allele CA347035193.